The following is an entry in ClinVar:

NM_001291415.2(KDM6A):c.1485+3A>G

Gene: KDM6A (lysine demethylase 6A; plus strand). Cytogenetic location: Xp11.3.
Variant type: single nucleotide variant.
Coding change: c.1485+3A>G on transcript NM_001291415.2 (MANE Select); 3 bases into the intron after coding-DNA position 1485, A replaced by G.
Molecular consequence: intron variant.
Genome position (GRCh38, 1-based): chrX:45,060,767, A>G. VCF-style: chrX-45060767-A-G. GRCh37 (hg19) VCF-style: chrX-44920012-A-G.
Other names: c.1330-557A>G (NM_021140.4); c.1350+3A>G (NM_001291416.2); c.1195-557A>G (NM_001291417.2, NM_001291418.2); c.442-557A>G (NM_001291421.2).
Identifiers: ClinVar variation 1193069 (VCV001193069.2), dbSNP rs1020731573, ClinGen allele CA329044494.

ClinVar aggregate classification (germline): Uncertain significance (1 of 4 stars; one submission).

Allele frequency attached by ClinVar (database versions not stated): gnomAD exomes below 0.00001 and 0.00001; gnomAD 0.00001.
gnomAD v4.1: 2 of 1,044,522 alleles (0.00019%); highest among the groups gnomAD compares: South Asian, 0.002%; no homozygotes.

Submission:

GeneDx
Classification: Uncertain significance. Last evaluated: 2020-04-13. Review status: criteria provided, single submitter. Criteria: GeneDx Variant Classification Process June 2021. Collection method: clinical testing. Allele origin: germline. Affected: yes.
Comment: In silico analysis supports a deleterious effect on splicing; Has not been previously published as pathogenic or benign to our knowledge